The following is an entry in ClinVar:

ClinVar aggregate classification (germline): Uncertain significance. Review status: criteria provided, single submitter (1 of 4 stars). 4 submissions from 4 submitters: Uncertain significance (1). 3 of the submissions do not count toward it. Last evaluated 2023-12-05.

Conditions:
Neuropathy, hereditary sensory and autonomic, type 2A (HSAN2A). Also called: ACROOSTEOLYSIS, GIACCAI TYPE; ACROOSTEOLYSIS, NEUROGENIC; HSAN IIA; NEUROPATHY, CONGENITAL SENSORY; NEUROPATHY, HEREDITARY SENSORY RADICULAR, AUTOSOMAL RECESSIVE; NEUROPATHY, HEREDITARY SENSORY, TYPE IIA. Identifiers: Orphanet 970, MedGen C2752089, MONDO:0024309, OMIM 201300.
Generalized epilepsy with febrile seizures plus, type 7 (GEFSP7). Also called: GEFS+, TYPE 7. Identifiers: Orphanet 36387, MedGen C2751778, MONDO:0013470, OMIM 613863.

gnomAD v4.1: 3 of 1,612,982 alleles (0.00019%); highest among the groups gnomAD compares: Non-Finnish European, 0.00025%; no homozygotes.

Submissions (4):

Labcorp Genetics (formerly Invitae), Labcorp
Classification: Uncertain significance for Neuropathy, hereditary sensory and autonomic, type 2A; Generalized epilepsy with febrile seizures plus, type 7. Last evaluated: 2023-12-05. Review status: criteria provided, single submitter. Criteria: Invitae Variant Classification Sherloc (09022015). Collection method: clinical testing. Allele origin: germline.
Comment: This sequence change replaces leucine, which is neutral and non-polar, with valine, which is neutral and non-polar, at codon 812 of the SCN9A protein (p.Leu812Val). This variant is not present in population databases (gnomAD no frequency). This variant has not been reported in the literature in individuals affected with SCN9A-related conditions. ClinVar contains an entry for this variant (Variation ID: 1284569). Advanced modeling of protein sequence and biophysical properties (such as structural, functional, and spatial information, amino acid conservation, physicochemical variation, residue mobility, and thermodynamic stability) performed at Invitae indicates that this missense variant is not expected to disrupt SCN9A protein function with a negative predictive value of 95%. In summary, the available evidence is currently insufficient to determine the role of this variant in disease. Therefore, it has been classified as a Variant of Uncertain Significance.

Clinical Genetics, Academic Medical Center
Classification: Uncertain significance. Review status: no assertion criteria provided. Collection method: clinical testing. Allele origin: germline. Affected: yes. Study: VKGL Data-share Consensus. Not counted in ClinVar's aggregate classification.

Genome Diagnostics Laboratory, University Medical Center Utrecht
Classification: Uncertain significance. Review status: no assertion criteria provided. Collection method: clinical testing. Allele origin: germline. Affected: yes. Study: VKGL Data-share Consensus. Not counted in ClinVar's aggregate classification.

Joint Genome Diagnostic Labs from Nijmegen and Maastricht, Radboudumc and MUMC+
Classification: Uncertain significance. Review status: no assertion criteria provided. Collection method: clinical testing. Allele origin: germline. Affected: yes. Study: VKGL Data-share Consensus. Not counted in ClinVar's aggregate classification.

NM_001365536.1(SCN9A):c.2467C>G (p.Leu823Val)

Genes: SCN1A-AS1 (SCN1A and SCN9A antisense RNA 1; plus strand), SCN9A (sodium voltage-gated channel alpha subunit 9; minus strand). Cytogenetic location: 2q24.3.
Variant type: single nucleotide variant.
Coding change: c.2467C>G on transcript NM_001365536.1 (MANE Select); coding-DNA position 2467, C replaced by G.
Protein change: p.Leu823Val; replaces leucine 823 with valine.
Molecular consequence: missense variant.
Genome position (GRCh38, 1-based): chr2:166,278,190, G>C on the plus strand (C>G on the coding strand, the complement: SCN9A is on the minus strand). VCF-style: chr2-166278190-G-C. GRCh37 (hg19) VCF-style: chr2-167134700-G-C.
Other names: c.2434C>G, p.Leu812Val (NM_002977.4); short protein forms L812V, L823V.
Identifiers: ClinVar variation 1284569 (VCV001284569.10), dbSNP rs1029813878, ClinGen allele CA349078269.